The following is an entry in ClinVar:

NM_016239.4(MYO15A):c.3248del (p.Thr1083fs)

Gene: MYO15A (myosin XVA; plus strand). Cytogenetic location: 17p11.2.
Variant type: Deletion.
Coding change: c.3248del on transcript NM_016239.4 (MANE Select); coding-DNA position 3248, one base deleted (C; older notation c.3248delC).
Protein change: p.Thr1083fs; shifts the reading frame from threonine 1083.
Molecular consequence: frameshift variant.
Genome position (GRCh38, 1-based): chr17:18,122,048, C deleted. VCF-style (leftmost placement, unchanged base first): chr17-18122047-AC-A. GRCh37 (hg19) VCF-style: chr17-18025361-AC-A.
Other names: short protein forms T1083fs.
Identifiers: ClinVar variation 2842146 (VCV002842146.3), dbSNP rs2545192609, ClinGen allele CA2739267201.

ClinVar aggregate classification (germline): Pathogenic (1 of 4 stars; one submission).

Submission:

Labcorp Genetics (formerly Invitae), Labcorp
Classification: Pathogenic. Last evaluated: 2023-09-19. Review status: criteria provided, single submitter. Criteria: Invitae Variant Classification Sherloc (09022015). Collection method: clinical testing. Allele origin: germline.
Comment: This sequence change creates a premature translational stop signal (p.Thr1083Asnfs*42) in the MYO15A gene. It is expected to result in an absent or disrupted protein product. Loss-of-function variants in MYO15A are known to be pathogenic (PMID: 17546645). This variant is not present in population databases (gnomAD no frequency). This variant has not been reported in the literature in individuals affected with MYO15A-related conditions. For these reasons, this variant has been classified as Pathogenic.

Literature cited by the submitters: PubMed 17546645.